The following is an entry in ClinVar:

ClinVar aggregate classification (germline): Uncertain significance (1 of 4 stars; one submission).

Allele frequency attached by ClinVar (database versions not stated): TOPMed below 0.00001; ExAC 0.00001; gnomAD exomes 0.00001.
gnomAD v4.1: 6 of 1,612,348 alleles (0.00037%); highest among the groups gnomAD compares: Admixed American, 0.0017%; no homozygotes.

Submission:

GeneDx
Classification: Uncertain significance. Last evaluated: 2020-10-09. Review status: criteria provided, single submitter. Criteria: GeneDx Variant Classification Process June 2021. Collection method: clinical testing. Allele origin: germline. Affected: yes.
Comment: Not observed at a significant frequency in large population cohorts (Lek et al., 2016); In silico analysis supports that this missense variant does not alter protein structure/function; Has not been previously published as pathogenic or benign to our knowledge

NM_018136.5(ASPM):c.8577G>C (p.Gln2859His)

Gene: ASPM (assembly factor for spindle microtubules; minus strand). Cytogenetic location: 1q31.3.
Variant type: single nucleotide variant.
Coding change: c.8577G>C on transcript NM_018136.5 (MANE Select); coding-DNA position 8577, G replaced by C.
Protein change: p.Gln2859His; replaces glutamine 2859 with histidine.
Molecular consequence: missense variant. On other transcripts: intron variant (1).
Genome position (GRCh38, 1-based): chr1:197,100,674, C>G on the plus strand (G>C on the coding strand, the complement: ASPM is on the minus strand). VCF-style: chr1-197100674-C-G. GRCh37 (hg19) VCF-style: chr1-197069804-C-G.
Other names: c.4066-4510G>C (NM_001206846.2); short protein forms Q2859H.
Identifiers: ClinVar variation 1313232 (VCV001313232.2), dbSNP rs766154891, ClinGen allele CA1309197.